The following is an entry in ClinVar:

NM_015474.4(SAMHD1):c.1062+1G>T

Gene: SAMHD1 (SAM and HD domain containing deoxynucleoside triphosphate triphosphohydrolase 1; minus strand). Cytogenetic location: 20q11.23.
Variant type: single nucleotide variant.
Coding change: c.1062+1G>T on transcript NM_015474.4 (MANE Select); the canonical splice donor site of the intron after coding-DNA position 1062, G replaced by T.
Molecular consequence: splice donor variant.
Genome position (GRCh38, 1-based): chr20:36,916,721, C>A on the plus strand (G>T on the coding strand, the complement: SAMHD1 is on the minus strand). VCF-style: chr20-36916721-C-A. GRCh37 (hg19) VCF-style: chr20-35545124-C-A.
Other names: c.1062+1G>T (NM_001363729.2, NM_001363733.2).
Identifiers: ClinVar variation 3775506 (VCV003775506.2).
Genomic context (GRCh38, chr20:36,916,721, plus strand): 5'-TATTTCCAAATTTCAGACCAGGAACAACATTCTTCTTATTGCCTCCTCTGGCACAGCTTA[C>A]CTTATCTCTAGCACAAATACGCAACTCATTGTCTACTTCACAGACACGGGCAAACTTAAT-3'

ClinVar aggregate classification (germline): Pathogenic/Likely pathogenic. Review status: criteria provided, multiple submitters, no conflicts (2 of 4 stars). 2 submissions from 2 submitters: Pathogenic (1); Likely pathogenic (1). Last evaluated 2026-01-22.

Conditions:
Aicardi-Goutieres syndrome 5. Identifiers: Orphanet 51, MedGen C2749659, MONDO:0013059, OMIM 612952.

Submissions (2):

Labcorp Genetics (formerly Invitae), Labcorp
Classification: Likely pathogenic for Aicardi-Goutieres syndrome 5. Last evaluated: 2026-01-22. Review status: criteria provided, single submitter. Criteria: Invitae Variant Classification Sherloc (09022015). Collection method: clinical testing. Allele origin: germline.
Comment: This sequence change affects a donor splice site in intron 9 of the SAMHD1 gene. It is expected to disrupt RNA splicing. Variants that disrupt the donor or acceptor splice site typically lead to a loss of protein function (PMID: 16199547), and loss-of-function variants in SAMHD1 are known to be pathogenic (PMID: 19525956, 22461318). This variant is not present in population databases (gnomAD no frequency). This variant has not been reported in the literature in individuals affected with SAMHD1-related conditions. ClinVar contains an entry for this variant (Variation ID: 3775506). Algorithms developed to predict the effect of sequence changes on RNA splicing suggest that this variant may disrupt the consensus splice site. In summary, the currently available evidence indicates that the variant is pathogenic, but additional data are needed to prove that conclusively. Therefore, this variant has been classified as Likely Pathogenic.

3billion
Classification: Pathogenic for Aicardi-Goutieres syndrome 5. Last evaluated: 2023-08-13. Review status: criteria provided, single submitter. Criteria: ACMG Guidelines, 2015. Collection method: clinical testing. Allele origin: germline. Affected: yes.
Comment: The variant is not observed in the gnomAD v2.1.1 dataset. Predicted Consequence/Location: Canonical splice site: predicted to alter splicing and result in a loss or disruption of normal protein function. Multiple pathogenic loss-of-function variants are reported downstream of the variant. Therefore, this variant is classified as Pathogenic according to the recommendation of ACMG/AMP guideline.

Literature cited by the submitters: PubMed 16199547 (cited by Labcorp Genetics (formerly Invitae), Labcorp); PubMed 19525956 (cited by Labcorp Genetics (formerly Invitae), Labcorp); PubMed 22461318 (cited by Labcorp Genetics (formerly Invitae), Labcorp).